The following is an entry in ClinVar:

ClinVar aggregate classification (germline): Uncertain significance (1 of 4 stars; one submission).

Submission:

GeneDx
Classification: Uncertain significance. Last evaluated: 2022-06-13. Review status: criteria provided, single submitter. Criteria: GeneDx Variant Classification Process June 2021. Collection method: clinical testing. Allele origin: germline. Affected: yes.
Comment: Has not been previously published as pathogenic or benign to our knowledge; Intronic +5 splice site variant in a gene for which loss of function is a known mechanism of disease, and both splice predictors and evolutionary conservation support a deleterious effect, although in the absence of functional evidence the actual effect of this sequence change is unknown.; Not observed at significant frequency in large population cohorts (gnomAD)

NM_007325.5(GRIA3):c.1293+3_1293+6del

Gene: GRIA3 (glutamate ionotropic receptor AMPA type subunit 3; plus strand). Cytogenetic location: Xq25.
Variant type: Deletion.
Coding change: c.1293+3_1293+6del on transcript NM_007325.5 (MANE Select); bases 3 to 6 of the intron after coding-DNA position 1293, 4 bases deleted (AAGT; older notation c.1293+3_1293+6delAAGT).
Molecular consequence: splice donor variant.
Genome position (GRCh38, 1-based): chrX:123,403,522-123,403,525, AAGT deleted; deleting any 4 consecutive bases within chrX:123,403,520-123,403,525 gives the same sequence; the c. name uses the placement nearest the transcript's 3' end. VCF-style (leftmost placement, unchanged base first): chrX-123403519-GGTAA-G. GRCh37 (hg19) VCF-style: chrX-122537370-GGTAA-G.
Other names: c.1293+3_1293+6del (NM_000828.5).
Identifiers: ClinVar variation 1693010 (VCV001693010.2), dbSNP rs2147383978, ClinGen allele CA2573159195.